The following is an entry in ClinVar:

ClinVar aggregate classification (germline): Uncertain significance (1 of 4 stars; one submission).

Allele frequency attached by ClinVar (database versions not stated): TOPMed below 0.00001.
gnomAD v4.1: 7 of 1,610,338 alleles (0.00043%); highest among the groups gnomAD compares: South Asian, 0.0033%; no homozygotes.

Submission:

Labcorp Genetics (formerly Invitae), Labcorp
Classification: Uncertain significance. Last evaluated: 2023-01-12. Review status: criteria provided, single submitter. Criteria: Invitae Variant Classification Sherloc (09022015). Collection method: clinical testing. Allele origin: germline.
Comment: This sequence change replaces methionine, which is neutral and non-polar, with isoleucine, which is neutral and non-polar, at codon 573 of the ENPP1 protein (p.Met573Ile). This variant is present in population databases (no rsID available, gnomAD 0.006%). This variant has not been reported in the literature in individuals affected with ENPP1-related conditions. Advanced modeling of protein sequence and biophysical properties (such as structural, functional, and spatial information, amino acid conservation, physicochemical variation, residue mobility, and thermodynamic stability) performed at Invitae indicates that this missense variant is not expected to disrupt ENPP1 protein function. In summary, the available evidence is currently insufficient to determine the role of this variant in disease. Therefore, it has been classified as a Variant of Uncertain Significance.

NM_006208.3(ENPP1):c.1719G>A (p.Met573Ile)

Gene: ENPP1 (ectonucleotide pyrophosphatase/phosphodiesterase 1; plus strand). Cytogenetic location: 6q23.2.
Variant type: single nucleotide variant.
Coding change: c.1719G>A on transcript NM_006208.3 (MANE Select); coding-DNA position 1719, G replaced by A.
Protein change: p.Met573Ile; replaces methionine 573 with isoleucine.
Molecular consequence: missense variant.
Genome position (GRCh38, 1-based): chr6:131,875,859, G>A. VCF-style: chr6-131875859-G-A. GRCh37 (hg19) VCF-style: chr6-132196999-G-A.
Other names: short protein forms M573I.
Identifiers: ClinVar variation 2803804 (VCV002803804.3), dbSNP rs1175493211, ClinGen allele CA365678829.